The following is an entry in ClinVar:

ClinVar aggregate classification (germline): Uncertain significance. Review status: criteria provided, multiple submitters, no conflicts (2 of 4 stars). 2 submissions from 2 submitters: Uncertain significance (2). Last evaluated 2025-06-10.

Conditions:
Fraser syndrome 1 (FRASRS1). Also called: CRYPTOPHTHALMOS WITH OTHER MALFORMATIONS. Identifiers: Orphanet 2052, MedGen C4551480, MONDO:0054737, OMIM 219000.

Allele frequency attached by ClinVar (database versions not stated): gnomAD exomes 0.00001; ExAC 0.00003; gnomAD 0.00003; TOPMed 0.00005; ESP Exome Variant Server 0.00017.
gnomAD v4.1: 23 of 1,612,050 alleles (0.0014%); highest among the groups gnomAD compares: Non-Finnish European, 0.002%; no homozygotes.

Submissions (2):

Labcorp Genetics (formerly Invitae), Labcorp
Classification: Uncertain significance. Last evaluated: 2025-06-10. Review status: criteria provided, single submitter. Criteria: Invitae Variant Classification Sherloc (09022015). Collection method: clinical testing. Allele origin: germline.
Comment: This sequence change replaces glutamic acid, which is acidic and polar, with lysine, which is basic and polar, at codon 957 of the FRAS1 protein (p.Glu957Lys). This variant also falls at the last nucleotide of exon 23, which is part of the consensus splice site for this exon. This variant is present in population databases (rs373272838, gnomAD 0.006%). This variant has not been reported in the literature in individuals affected with FRAS1-related conditions. ClinVar contains an entry for this variant (Variation ID: 2162037). An algorithm developed to predict the effect of missense changes on protein structure and function (PolyPhen-2) suggests that this variant is likely to be tolerated. Variants that disrupt the consensus splice site are a relatively common cause of aberrant splicing (PMID: 17576681, 9536098). Algorithms developed to predict the effect of sequence changes on RNA splicing suggest that this variant may disrupt the consensus splice site. In summary, the available evidence is currently insufficient to determine the role of this variant in disease. Therefore, it has been classified as a Variant of Uncertain Significance.

Fulgent Genetics
Classification: Uncertain significance for Fraser syndrome 1. Last evaluated: 2024-06-08. Review status: criteria provided, single submitter. Criteria: ACMG Guidelines, 2015. Collection method: clinical testing. Allele origin: germline.

Literature cited by the submitters: PubMed 17576681 (cited by Labcorp Genetics (formerly Invitae), Labcorp); PubMed 9536098 (cited by Labcorp Genetics (formerly Invitae), Labcorp).

NM_025074.7(FRAS1):c.2869G>A (p.Glu957Lys)

Gene: FRAS1 (Fraser extracellular matrix complex subunit 1; plus strand). Cytogenetic location: 4q21.21.
Variant type: single nucleotide variant.
Coding change: c.2869G>A on transcript NM_025074.7 (MANE Select); coding-DNA position 2869, G replaced by A.
Protein change: p.Glu957Lys; replaces glutamic acid 957 with lysine.
Molecular consequence: missense variant.
Genome position (GRCh38, 1-based): chr4:78,369,984, G>A. VCF-style: chr4-78369984-G-A. GRCh37 (hg19) VCF-style: chr4-79291138-G-A.
Other names: c.2869G>A, p.Glu957Lys (NM_001166133.2); short protein forms E957K.
Identifiers: ClinVar variation 2162037 (VCV002162037.3), dbSNP rs373272838, ClinGen allele CA2976756.